The following is an entry in ClinVar:

NM_014679.5(CEP57):c.1243A>G (p.Ile415Val)

Gene: CEP57 (centrosomal protein 57; plus strand). Cytogenetic location: 11q21.
Variant type: single nucleotide variant.
Coding change: c.1243A>G on transcript NM_014679.5 (MANE Select); coding-DNA position 1243, A replaced by G.
Protein change: p.Ile415Val; replaces isoleucine 415 with valine.
Molecular consequence: missense variant.
Genome position (GRCh38, 1-based): chr11:95,829,302, A>G. VCF-style: chr11-95829302-A-G. GRCh37 (hg19) VCF-style: chr11-95562466-A-G.
Other names: c.1057A>G, p.Ile353Val (NM_001440874.1); c.1054A>G, p.Ile352Val (NM_001440875.1); c.1048A>G, p.Ile350Val (NM_001440876.1); c.1045A>G, p.Ile349Val (NM_001440877.1, NM_001440878.1); c.1018A>G, p.Ile340Val (NM_001440879.1); c.982A>G, p.Ile328Val (NM_001440880.1); c.946A>G, p.Ile316Val (NM_001440881.1); c.940A>G, p.Ile314Val (NM_001440882.1); and 6 more; short protein forms I316V, I328V, I379V, I388V, I389V, I415V, I314V, I349V.
Identifiers: ClinVar variation 5034379 (VCV005034379.1).

ClinVar aggregate classification (germline): Uncertain significance (1 of 4 stars; one submission).

Conditions:
Inborn genetic diseases. Identifiers: MedGen C0950123, MeSH D030342.

gnomAD v4.1: 1 of 1,614,104 alleles (0.000062%); highest among the groups gnomAD compares: Non-Finnish European, 0.000085%; no homozygotes.

Submission:

Ambry Genetics
Classification: Uncertain significance for Inborn genetic diseases. Last evaluated: 2026-08-01. Review status: criteria provided, single submitter. Criteria: Ambry Variant Classification Scheme 2023. Collection method: clinical testing. Allele origin: germline.
Comment: The p.I415V variant (also known as c.1243A>G), located in coding exon 10 of the CEP57 gene, results from an A to G substitution at nucleotide position 1243. The isoleucine at codon 415 is replaced by valine, an amino acid with highly similar properties. This amino acid position is conserved. In addition, the in silico prediction for this alteration is inconclusive. Based on the available evidence, the clinical significance of this variant remains unclear.